The following is an entry in ClinVar:

NM_003872.3(NRP2):c.1215G>T (p.Arg405Ser)

Gene: NRP2 (neuropilin 2; plus strand). Cytogenetic location: 2q33.3.
Variant type: single nucleotide variant.
Coding change: c.1215G>T on transcript NM_003872.3 (MANE Select); coding-DNA position 1215, G replaced by T.
Protein change: p.Arg405Ser; replaces arginine 405 with serine.
Molecular consequence: missense variant.
Genome position (GRCh38, 1-based): chr2:205,740,587, G>T. VCF-style: chr2-205740587-G-T. GRCh37 (hg19) VCF-style: chr2-206605311-G-T.
Other names: c.1215G>T, p.Arg405Ser (NM_018534.4, NM_201264.2, NM_201266.2 and 2 more transcripts); short protein forms R405S.
Identifiers: ClinVar variation 4985680 (VCV004985680.1).
Genomic context (GRCh38, chr2:205,740,587, plus strand): 5'-AGCCAACAACGATGCAACTGAGGTGGTTCTGAACAAGCTCCACGCTCCACTGCTGACAAG[G>T]TTTGTTAGAATCCGCCCTCAGACCTGGCACTCAGGTATCGCCCTCCGGCTGGAGCTCTTC-3'
Protein context (NP_003863.2, residues 395-415): LNKLHAPLLT[Arg405Ser]FVRIRPQTWH

ClinVar aggregate classification (germline): Uncertain significance (1 of 4 stars; one submission).

Conditions:
NRP2-related disorder. Also called: NRP2-related condition.

gnomAD v4.1: 5 of 1,614,104 alleles (0.00031%); highest among the groups gnomAD compares: Non-Finnish European, 0.00042%; no homozygotes.

Submission:

PreventionGenetics, part of Exact Sciences
Classification: Uncertain significance for NRP2-related condition. Last evaluated: 2025-04-07. Review status: criteria provided, single submitter. Criteria: ACMG Guidelines, 2015. Collection method: clinical testing. Allele origin: germline.
Comment: The NRP2 c.1215G>T variant is predicted to result in the amino acid substitution p.Arg405Ser. To our knowledge, this variant has not been reported in the literature. This variant is reported in 0.00088% of alleles in individuals of European (Non-Finnish) descent in gnomAD. At this time, the clinical significance of this variant is uncertain due to the absence of conclusive functional and genetic evidence.